The following is an entry in ClinVar:

ClinVar aggregate classification (germline): Uncertain significance. Review status: criteria provided, multiple submitters, no conflicts (2 of 4 stars). 2 submissions from 2 submitters: Uncertain significance (2). Last evaluated 2025-04-12.

Conditions:
Inborn genetic diseases. Identifiers: MedGen C0950123, MeSH D030342.
Bardet-Biedl syndrome (BBS). Identifiers: Orphanet 110, MedGen C0752166, MONDO:0015229.

Allele frequency attached by ClinVar (database versions not stated): ExAC 0.00001; gnomAD 0.00001; gnomAD exomes 0.00001.
gnomAD v4.1: 4 of 1,614,130 alleles (0.00025%); highest among the groups gnomAD compares: African/African-American, 0.0027%; no homozygotes.

Submissions (2):

Ambry Genetics
Classification: Uncertain significance for Inborn genetic diseases. Last evaluated: 2025-04-12. Review status: criteria provided, single submitter. Criteria: Ambry Variant Classification Scheme 2023. Collection method: clinical testing. Allele origin: germline.

Labcorp Genetics (formerly Invitae), Labcorp
Classification: Uncertain significance for Bardet-Biedl syndrome. Last evaluated: 2022-01-06. Review status: criteria provided, single submitter. Criteria: Invitae Variant Classification Sherloc (09022015). Collection method: clinical testing. Allele origin: germline.
Comment: This sequence change replaces threonine, which is neutral and polar, with alanine, which is neutral and non-polar, at codon 505 of the BBS12 protein (p.Thr505Ala). This variant is present in population databases (rs748915933, gnomAD 0.005%). This variant has not been reported in the literature in individuals affected with BBS12-related conditions. Algorithms developed to predict the effect of missense changes on protein structure and function output the following: SIFT: "Deleterious"; PolyPhen-2: "Benign"; Align-GVGD: "Class C0". The alanine amino acid residue is found in multiple mammalian species, which suggests that this missense change does not adversely affect protein function. In summary, the available evidence is currently insufficient to determine the role of this variant in disease. Therefore, it has been classified as a Variant of Uncertain Significance.

NM_152618.3(BBS12):c.1513A>G (p.Thr505Ala)

Gene: BBS12 (Bardet-Biedl syndrome 12; plus strand). Cytogenetic location: 4q27.
Variant type: single nucleotide variant.
Coding change: c.1513A>G on transcript NM_152618.3 (MANE Select); coding-DNA position 1513, A replaced by G.
Protein change: p.Thr505Ala; replaces threonine 505 with alanine.
Molecular consequence: missense variant.
Genome position (GRCh38, 1-based): chr4:122,743,405, A>G. VCF-style: chr4-122743405-A-G. GRCh37 (hg19) VCF-style: chr4-123664560-A-G.
Other names: c.1513A>G, p.Thr505Ala (NM_001178007.2); c.1513A>G (NM_152618.2); short protein forms T505A.
Identifiers: ClinVar variation 2165064 (VCV002165064.2), dbSNP rs748915933, ClinGen allele CA3069468.
Genomic context (GRCh38, chr4:122,743,405, plus strand): 5'-AACAACAGAATCGCAATCTTATTAAAAACAGAAGGAATTAATTTGGTTACGGCCGTGCTC[A>G]CTAACCCAGTTACTGCACAGATGCAAATCAAAGAAGATAGGTTCTGGACATGTGCCTATC-3'
Protein context (NP_689831.2, residues 495-515): EGINLVTAVL[Thr505Ala]NPVTAQMQIK